The following is an entry in ClinVar:

NM_000254.3(MTR):c.1575A>T (p.Lys525Asn)

Gene: MTR (5-methyltetrahydrofolate-homocysteine methyltransferase; plus strand). Cytogenetic location: 1q43.
Variant type: single nucleotide variant.
Coding change: c.1575A>T on transcript NM_000254.3 (MANE Select); coding-DNA position 1575, A replaced by T.
Protein change: p.Lys525Asn; replaces lysine 525 with asparagine.
Molecular consequence: missense variant.
Genome position (GRCh38, 1-based): chr1:236,850,403, A>T. VCF-style: chr1-236850403-A-T. GRCh37 (hg19) VCF-style: chr1-237013703-A-T.
Other names: p.Lys525Asn; c.1575A>T, p.Lys525Asn (NM_001291939.1); c.354A>T, p.Lys118Asn (NM_001291940.2); short protein forms K525N, K118N.
Identifiers: ClinVar variation 534570 (VCV000534570.8), dbSNP rs199700767, ClinGen allele CA1474126.
Genomic context (GRCh38, chr1:236,850,403, plus strand): 5'-GGCAACAGAAACAGACACAAAAATCAGAGTGTGCACCCGGGCCTACCATCTGCTTGTGAA[A>T]AAACTGGGCTTTAATCCAAATGACATTATTTTTGACCCTAATATCCTAACCATTGGGACT-3'
Protein context (NP_000245.2, residues 515-535): VCTRAYHLLV[Lys525Asn]KLGFNPNDII

ClinVar aggregate classification (germline): Uncertain significance. Review status: criteria provided, multiple submitters, no conflicts (2 of 4 stars). 4 submissions from 4 submitters: Uncertain significance (4). Last evaluated 2025-05-21.

Conditions:
Inborn genetic diseases. Identifiers: MedGen C0950123, MeSH D030342.
Methylcobalamin deficiency type cblG (HMAG). Also called: HOMOCYSTINURIA-MEGALOBLASTIC ANEMIA, cblG COMPLEMENTATION TYPE; Functional methionine synthase deficiency type cblG; HOMOCYSTINURIA-MEGALOBLASTIC ANEMIA, cblG TYPE; HOMOCYSTINURIA-MEGALOBLASTIC ANEMIA DUE TO DEFECT IN COBALAMIN METABOLISM, cblG COMPLEMENTATION TYPE. Identifiers: Orphanet 2170, Orphanet 622, MedGen C1855128, MONDO:0009609, OMIM 250940.

Allele frequency attached by ClinVar (database versions not stated): ESP Exome Variant Server 0.00015; 1000 Genomes Project 30x 0.00016; TOPMed 0.00016; 1000 Genomes Project 0.00020.
gnomAD v4.1: 356 of 1,613,872 alleles (0.022%); highest among the groups gnomAD compares: Non-Finnish European, 0.027%; 1 homozygote.

Submissions (4):

Ambry Genetics
Classification: Uncertain significance for Inborn genetic diseases. Last evaluated: 2025-05-21. Review status: criteria provided, single submitter. Criteria: Ambry Variant Classification Scheme 2023. Collection method: clinical testing. Allele origin: germline.

GeneDx
Classification: Uncertain significance. Last evaluated: 2024-11-13. Review status: criteria provided, single submitter. Criteria: GeneDx Variant Classification Process June 2021. Collection method: clinical testing. Allele origin: germline. Affected: yes.
Comment: In silico analysis indicates that this missense variant does not alter protein structure/function; Has not been previously published as pathogenic or benign to our knowledge

Mayo Clinic Laboratories, Mayo Clinic
Classification: Uncertain significance. Last evaluated: 2024-10-09. Review status: criteria provided, single submitter. Criteria: ACMG Guidelines, 2015. Collection method: clinical testing. Allele origin: germline. Observed: 1 variant allele.
Comment: BP4, PM2_supporting

Labcorp Genetics (formerly Invitae), Labcorp
Classification: Uncertain significance for Methylcobalamin deficiency type cblG. Last evaluated: 2022-06-05. Review status: criteria provided, single submitter. Criteria: Invitae Variant Classification Sherloc (09022015). Collection method: clinical testing. Allele origin: germline.
Comment: This sequence change replaces lysine, which is basic and polar, with asparagine, which is neutral and polar, at codon 525 of the MTR protein (p.Lys525Asn). This variant is present in population databases (rs199700767, gnomAD 0.04%). This variant has not been reported in the literature in individuals affected with MTR-related conditions. ClinVar contains an entry for this variant (Variation ID: 534570). Algorithms developed to predict the effect of missense changes on protein structure and function output the following: SIFT: "Tolerated"; PolyPhen-2: "Benign"; Align-GVGD: "Class C0". The asparagine amino acid residue is found in multiple mammalian species, which suggests that this missense change does not adversely affect protein function. In summary, the available evidence is currently insufficient to determine the role of this variant in disease. Therefore, it has been classified as a Variant of Uncertain Significance.